The following is an entry in ClinVar:

ClinVar aggregate classification (germline): Uncertain significance (1 of 4 stars; one submission).

Allele frequency attached by ClinVar (database versions not stated): gnomAD exomes below 0.00001; TOPMed below 0.00001; ExAC 0.00001; gnomAD 0.00001.
gnomAD v4.1: 3 of 1,613,846 alleles (0.00019%); highest among the groups gnomAD compares: Admixed American, 0.005%; no homozygotes.

Submission:

Labcorp Genetics (formerly Invitae), Labcorp
Classification: Uncertain significance. Last evaluated: 2023-11-24. Review status: criteria provided, single submitter. Criteria: Invitae Variant Classification Sherloc (09022015). Collection method: clinical testing. Allele origin: germline.
Comment: This sequence change replaces serine, which is neutral and polar, with asparagine, which is neutral and polar, at codon 664 of the ZCCHC8 protein (p.Ser664Asn). This variant is present in population databases (rs770606298, gnomAD 0.006%). This variant has not been reported in the literature in individuals affected with ZCCHC8-related conditions. Advanced modeling of protein sequence and biophysical properties (such as structural, functional, and spatial information, amino acid conservation, physicochemical variation, residue mobility, and thermodynamic stability) performed at Invitae indicates that this missense variant is expected to disrupt ZCCHC8 protein function with a positive predictive value of 80%. In summary, the available evidence is currently insufficient to determine the role of this variant in disease. Therefore, it has been classified as a Variant of Uncertain Significance.

NM_017612.5(ZCCHC8):c.1991G>A (p.Ser664Asn)

Gene: ZCCHC8 (zinc finger CCHC-type containing 8; minus strand). Cytogenetic location: 12q24.31.
Variant type: single nucleotide variant.
Coding change: c.1991G>A on transcript NM_017612.5 (MANE Select); coding-DNA position 1991, G replaced by A.
Protein change: p.Ser664Asn; replaces serine 664 with asparagine.
Molecular consequence: missense variant.
Genome position (GRCh38, 1-based): chr12:122,473,630, C>T on the plus strand (G>A on the coding strand, the complement: ZCCHC8 is on the minus strand). VCF-style: chr12-122473630-C-T. GRCh37 (hg19) VCF-style: chr12-122958177-C-T.
Other names: c.1760G>A, p.Ser587Asn (NM_001350935.2); c.1694G>A, p.Ser565Asn (NM_001350936.2); c.1277G>A, p.Ser426Asn (NM_001350937.2, NM_001350938.2); short protein forms S426N, S587N, S664N, S565N.
Identifiers: ClinVar variation 2783683 (VCV002783683.3), dbSNP rs770606298, ClinGen allele CA6846058.